The following is an entry in ClinVar:

ClinVar aggregate classification (germline): Uncertain significance (1 of 4 stars; one submission).

Submission:

GeneDx
Classification: Uncertain significance. Last evaluated: 2024-09-19. Review status: criteria provided, single submitter. Criteria: GeneDx Variant Classification Process June 2021. Collection method: clinical testing. Allele origin: germline. Affected: yes.
Comment: Not observed at significant frequency in large population cohorts (gnomAD); In silico analysis supports that this missense variant has a deleterious effect on protein structure/function; Has not been previously published as pathogenic or benign to our knowledge

NM_138376.3(TTC5):c.502G>A (p.Ala168Thr)

Gene: TTC5 (tetratricopeptide repeat domain 5; minus strand). Cytogenetic location: 14q11.2.
Variant type: single nucleotide variant.
Coding change: c.502G>A on transcript NM_138376.3 (MANE Select); coding-DNA position 502, G replaced by A.
Protein change: p.Ala168Thr; replaces alanine 168 with threonine.
Molecular consequence: missense variant.
Genome position (GRCh38, 1-based): chr14:20,299,343, C>T on the plus strand (G>A on the coding strand, the complement: TTC5 is on the minus strand). VCF-style: chr14-20299343-C-T. GRCh37 (hg19) VCF-style: chr14-20767502-C-T.
Other names: short protein forms A168T.
Identifiers: ClinVar variation 3774141 (VCV003774141.1).